The following is an entry in ClinVar:

ClinVar aggregate classification (germline): Uncertain significance (1 of 4 stars; one submission).

Allele frequency attached by ClinVar (database versions not stated): gnomAD exomes below 0.00001; TOPMed below 0.00001; gnomAD 0.00001.

Submission:

Ambry Genetics
Classification: Uncertain significance. Last evaluated: 2026-01-21. Review status: criteria provided, single submitter. Criteria: Ambry Variant Classification Scheme 2023. Collection method: clinical testing. Allele origin: germline.
Comment: The p.K927R variant (also known as c.2780A>G), located in coding exon 17 of the MYOM1 gene, results from an A to G substitution at nucleotide position 2780. The lysine at codon 927 is replaced by arginine, an amino acid with highly similar properties. This amino acid position is conserved. In addition, this alteration is predicted to be tolerated by in silico analysis. Based on the available evidence, the clinical significance of this variant remains unclear.

NM_003803.4(MYOM1):c.2780A>G (p.Lys927Arg)

Gene: MYOM1 (myomesin 1; minus strand). Cytogenetic location: 18p11.31.
Variant type: single nucleotide variant.
Coding change: c.2780A>G on transcript NM_003803.4 (MANE Select); coding-DNA position 2780, A replaced by G.
Protein change: p.Lys927Arg; replaces lysine 927 with arginine.
Molecular consequence: missense variant. On other transcripts: intron variant (1).
Genome position (GRCh38, 1-based): chr18:3,129,246, T>C on the plus strand (A>G on the coding strand, the complement: MYOM1 is on the minus strand). VCF-style: chr18-3129246-T-C. GRCh37 (hg19) VCF-style: chr18-3129244-T-C.
Other names: c.2506+2129A>G (NM_019856.2); short protein forms K927R.
Identifiers: ClinVar variation 2308406 (VCV002308406.3), dbSNP rs1252743028, ClinGen allele CA401709506.